The following is an entry in ClinVar:

ClinVar aggregate classification (germline): Benign/Likely benign. Review status: criteria provided, multiple submitters, no conflicts (2 of 4 stars). 8 submissions from 8 submitters: Benign (6); Likely benign (1). 1 of the submissions does not count toward it. Last evaluated 2026-01-31.

Conditions:
Autosomal recessive limb-girdle muscular dystrophy type 2A (LGMDR1). Also called: LEYDEN-MOEBIUS MUSCULAR DYSTROPHY; MUSCULAR DYSTROPHY, PELVOFEMORAL; Calpainopathy; Limb-girdle muscular dystrophy, type 2A; Muscular dystrophy, limb-girdle, type 2A, Amish. Identifiers: Orphanet 267, MedGen C1869123, MONDO:0009675, OMIM 253600. Disease mechanism: loss of function.

Allele frequency attached by ClinVar (database versions not stated): gnomAD exomes 0.00102 and 0.00268; ExAC 0.00341; gnomAD 0.01076 and 0.01154; 1000 Genomes Project 0.01178; TOPMed 0.01212; ESP Exome Variant Server 0.01330; 1000 Genomes Project 30x 0.01390.
gnomAD v4.1: 3,177 of 1,613,906 alleles (0.2%); highest among the groups gnomAD compares: African/African-American, 3.9%; 60 homozygotes.

Submissions (8):

Labcorp Genetics (formerly Invitae), Labcorp
Classification: Benign for Autosomal recessive limb-girdle muscular dystrophy type 2A. Last evaluated: 2026-01-31. Review status: criteria provided, single submitter. Criteria: Invitae Variant Classification Sherloc (09022015). Collection method: clinical testing. Allele origin: germline.

Mayo Clinic Laboratories, Mayo Clinic
Classification: Benign. Last evaluated: 2018-10-12. Review status: criteria provided, single submitter. Criteria: ACMG Guidelines, 2015. Collection method: clinical testing. Allele origin: germline. Observed: 5 variant alleles.

Illumina Laboratory Services, Illumina
Classification: Likely benign for Limb-girdle muscular dystrophy, type 2A. Last evaluated: 2018-01-13. Review status: criteria provided, single submitter. Criteria: ICSL Variant Classification Criteria 13 December 2019. Collection method: clinical testing. Allele origin: germline.
Comment: This variant was observed in the ICSL laboratory as part of a predisposition screen in an ostensibly healthy population. It had not been previously curated by ICSL or reported in the Human Gene Mutation Database (HGMD: prior to June 1st, 2018), and was therefore a candidate for classification through an automated scoring system. Utilizing variant allele frequency, disease prevalence and penetrance estimates, and inheritance mode, an automated score was calculated to assess if this variant is too frequent to cause the disease. Based on the score and internal cut-off values, a variant classified as likely benign is not then subjected to further curation. The score for this variant resulted in a classification of likely benign for this disease.

Athena Diagnostics
Classification: Benign. Last evaluated: 2017-12-27. Review status: criteria provided, single submitter. Criteria: Athena Diagnostics Criteria. Collection method: clinical testing. Allele origin: germline.

GeneDx
Classification: Benign. Last evaluated: 2016-08-05. Review status: criteria provided, single submitter. Criteria: GeneDx Variant Classification (06012015). Collection method: clinical testing. Allele origin: germline. Affected: yes.
Comment: This variant is considered likely benign or benign based on one or more of the following criteria: it is a conservative change, it occurs at a poorly conserved position in the protein, it is predicted to be benign by multiple in silico algorithms, and/or has population frequency not consistent with disease.

Eurofins Ntd Llc (ga)
Classification: Benign. Last evaluated: 2014-03-14. Review status: criteria provided, single submitter. Criteria: EGL Classification Definitions 2015. Collection method: clinical testing. Allele origin: germline. Observed: 2 variant alleles, 2 heterozygotes.

PreventionGenetics, part of Exact Sciences
Classification: Benign. Review status: criteria provided, single submitter. Criteria: ACMG Guidelines, 2015. Collection method: clinical testing. Allele origin: germline.

Natera, Inc.
Classification: Benign for Limb-girdle muscular dystrophy type 2A. Last evaluated: 2020-09-16. Review status: no assertion criteria provided. Collection method: clinical testing. Allele origin: germline. Not counted in ClinVar's aggregate classification.

NM_000070.3(CAPN3):c.2433T>C (p.Val811=)

Gene: CAPN3 (calpain 3; plus strand). Cytogenetic location: 15q15.1.
Variant type: single nucleotide variant.
Coding change: c.2433T>C on transcript NM_000070.3 (MANE Select); coding-DNA position 2433, T replaced by C.
Protein change: p.Val811=; no amino-acid change (valine 811 retained).
Molecular consequence: synonymous variant.
Genome position (GRCh38, 1-based): chr15:42,411,339, T>C. VCF-style: chr15-42411339-T-C. GRCh37 (hg19) VCF-style: chr15-42703537-T-C.
Other names: p.Val811=; c.2415T>C, p.Val805= (NM_024344.2); c.2157T>C, p.Val719= (NM_173087.2); c.897T>C, p.Val299= (NM_173088.2); c.438T>C, p.Val146= (NM_173089.2, NM_173090.2).
Identifiers: ClinVar variation 166793 (VCV000166793.22), dbSNP rs28364543, ClinGen allele CA179842.